The following is an entry in ClinVar:

NM_001009944.3(PKD1):c.10487del (p.Leu3496fs)

Gene: PKD1 (polycystin 1, transient receptor potential channel interacting; minus strand). Cytogenetic location: 16p13.3.
Variant type: Deletion.
Coding change: c.10487del on transcript NM_001009944.3 (MANE Select); coding-DNA position 10487, one base deleted (T; older notation c.10487delT).
Protein change: p.Leu3496fs; shifts the reading frame from leucine 3496.
Molecular consequence: frameshift variant.
Genome position (GRCh38, 1-based): chr16:2,097,160, A deleted on the plus strand (T on the coding strand, the reverse complement: PKD1 is on the minus strand). VCF-style (leftmost placement, unchanged base first): chr16-2097159-CA-C. GRCh37 (hg19) VCF-style: chr16-2147160-CA-C.
Other names: c.10484del, p.Leu3495fs (NM_000296.4); short protein forms L3495fs, L3496fs.
Identifiers: ClinVar variation 488344 (VCV000488344.2), dbSNP rs1555448106, ClinGen allele CA658683907.

ClinVar aggregate classification (germline): Pathogenic (0 of 4 stars; one submission).

Conditions:
Polycystic kidney disease, adult type (PKD1). Also called: Polycystic Kidney Disease 1, Autosomal Dominant; Polycystic kidney disease 1; Polycystic kidney disease 1, severe; POLYCYSTIC KIDNEY DISEASE, ADULT, TYPE I; POLYCYSTIC KIDNEY DISEASE 1 WITH OR WITHOUT POLYCYSTIC LIVER DISEASE; Polycystic Kidney, Autosomal Dominant. Identifiers: MedGen C3149841, MONDO:0008263, OMIM 173900.

Submission:

Centre for Genetic Disorders, Banaras Hindu University
Classification: Pathogenic for Polycystic kidney disease, adult type. Last evaluated: 2017-12-30. Review status: no assertion criteria provided. Collection method: research. Allele origin: germline. Inheritance: Autosomal dominant inheritance. Affected: yes.
Comment: This variant is not present in 100 control individuals. This change is present in coding region and alters the translation frame. NM_001009944.2:c.10487delT (L3496Rfs*31) is a frameshift mutation leading to termination of protein synthesis at 3527 amino acid. Online tool MutationTaster predicts it to be disease causing.